The following is an entry in ClinVar:

NC_000017.10:g.(?_29527488)_(29703830_?)del

Genes: EVI2A (ecotropic viral integration site 2A; minus strand), EVI2B (ecotropic viral integration site 2B; minus strand), NF1 (neurofibromin 1; plus strand), OMG (oligodendrocyte myelin glycoprotein; minus strand). Cytogenetic location: 17q11.2.
Variant type: Deletion.
Identifiers: ClinVar variation 1433157 (VCV001433157.4).

ClinVar aggregate classification (germline): Pathogenic (1 of 4 stars; one submission).

Conditions:
Neurofibromatosis, type 1 (NF1). Also called: Peripheral type neurofibromatosis; VON RECKLINGHAUSEN DISEASE; NEUROFIBROMATOSIS, TYPE I, SOMATIC; Neurofibromatosis, type I. Identifiers: Orphanet 636, MedGen C0027831, MONDO:0018975, OMIM 162200. Disease mechanism: loss of function.

Submission:

Labcorp Genetics (formerly Invitae), Labcorp
Classification: Pathogenic for Neurofibromatosis, type 1. Last evaluated: 2021-08-22. Review status: criteria provided, single submitter. Criteria: Invitae Variant Classification Sherloc (09022015). Collection method: clinical testing. Allele origin: germline.
Comment: This variant results in the deletion of exon(s) 10-57 and part of exon 9 (c.941_*2661del) of the NF1 gene. While this deletion is not anticipated to lead to nonsense mediated decay, it is expected to alter mRNA translation or result in a truncated protein product. This variant has not been reported in the literature in individuals affected with NF1-related conditions. This variant disrupts a region of the NF1 protein in which other variant(s) (p.Leu357Pro) have been determined to be pathogenic (PMID: 10712197, 12566521, 19221814, 30530636). This suggests that this is a clinically significant region of the protein, and that variants that disrupt it are likely to be disease-causing. For these reasons, this variant has been classified as Pathogenic.

Literature cited by the submitters: PubMed 10712197; PubMed 12566521; PubMed 19221814; PubMed 30530636.